The following is an entry in ClinVar:

ClinVar aggregate classification (germline): Likely benign (1 of 4 stars; one submission).

Conditions:
Malignant hyperthermia, susceptibility to, 5 (MHS5). Also called: CACNA1S-Related Malignant Hyperthermia Susceptibility. Identifiers: Orphanet 423, MedGen C1866077, MONDO:0011163, OMIM 601887.

Submission:

All of Us Research Program, National Institutes of Health
Classification: Likely benign for Malignant hyperthermia, susceptibility to, 5. Last evaluated: 2023-12-13. Review status: criteria provided, single submitter. Criteria: ACMG Guidelines, 2015. Collection method: clinical testing. Allele origin: germline. Inheritance: Autosomal dominant inheritance. Observed: 1 variant allele, 1 heterozygote.
Comment: This study involves interpretation of variants in research participants for the purpose of population health screening. Participant phenotype was not available at the time of variant classification. Additional details can be found in publication PMID: 35346344, PMCID: PMC8962531

NM_000069.3(CACNA1S):c.801G>A (p.Gly267=)

Gene: CACNA1S (calcium voltage-gated channel subunit alpha1 S; minus strand). Cytogenetic location: 1q32.1.
Variant type: single nucleotide variant.
Coding change: c.801G>A on transcript NM_000069.3 (MANE Select); coding-DNA position 801, G replaced by A.
Protein change: p.Gly267=; no amino-acid change (glycine 267 retained).
Molecular consequence: synonymous variant.
Genome position (GRCh38, 1-based): chr1:201,089,357, C>T on the plus strand (G>A on the coding strand, the complement: CACNA1S is on the minus strand). VCF-style: chr1-201089357-C-T. GRCh37 (hg19) VCF-style: chr1-201058485-C-T.
Identifiers: ClinVar variation 3074789 (VCV003074789.1), dbSNP rs1174967848, ClinGen allele CA422694043.
Genomic context (GRCh38, chr1:201,089,357, plus strand): 5'-CTGGTACACGGTGAGCATGGAGAAGCCGAAGTTGTCGAAGTGGGTGATGCCATGGTTGGG[C>T]CCTGGCCAGCCGCCCCGGCACTCACTGCCATTGATGGTGCACCGGCGCCCTGAGCCCGTC-3'
Protein context (NP_000060.2, residues 257-277): NGSECRGGWP[Gly267=]PNHGITHFDN